The following is an entry in ClinVar:

ClinVar aggregate classification (germline): Benign/Likely benign. Review status: criteria provided, multiple submitters, no conflicts (2 of 4 stars). 4 submissions from 4 submitters: Benign (2); Likely benign (2). Last evaluated 2026-09-01.

Conditions:
Developmental and epileptic encephalopathy, 36 (DEE36). Also called: ALG13-CDG; Congenital disorder of glycosylation, type Is; Epileptic encephalopathy, early infantile, 36. Identifiers: Orphanet 324422, MedGen C4317295, MONDO:0010472, OMIM 300884.

Submissions (4):

CeGaT Center for Human Genetics Tuebingen
Classification: Likely benign. Last evaluated: 2026-09-01. Review status: criteria provided, single submitter. Criteria: CeGaT Center For Human Genetics Tuebingen Variant Classification Criteria Version 2. Collection method: clinical testing. Allele origin: germline. Affected: yes. Observed: 11 variant alleles.
Comment: ALG13: BS2

Labcorp Genetics (formerly Invitae), Labcorp
Classification: Benign for Developmental and epileptic encephalopathy, 36. Last evaluated: 2026-01-20. Review status: criteria provided, single submitter. Criteria: Invitae Variant Classification Sherloc (09022015). Collection method: clinical testing. Allele origin: germline.

Blueprint Genetics
Classification: Likely benign. Last evaluated: 2024-11-27. Review status: criteria provided, single submitter. Criteria: ACMG Guidelines, 2015. Collection method: clinical testing. Allele origin: germline.

Mayo Clinic Laboratories, Mayo Clinic
Classification: Benign. Last evaluated: 2024-08-15. Review status: criteria provided, single submitter. Criteria: ACMG Guidelines, 2015. Collection method: clinical testing. Allele origin: germline. Observed: 2 variant alleles.
Comment: BS1, BS2

NM_001099922.3(ALG13):c.2798_2799insACCTCC (p.Pro944_Pro945dup)

Gene: ALG13 (ALG13 UDP-N-acetylglucosaminyltransferase subunit; plus strand). Cytogenetic location: Xq23.
Variant type: Insertion.
Coding change: c.2798_2799insACCTCC on transcript NM_001099922.3 (MANE Select); coding-DNA positions 2798 to 2799, ACCTCC inserted.
Protein change: p.Pro944_Pro945dup.
Molecular consequence: inframe insertion. On other transcripts: intron variant (5).
Genome position: GRCh38 VCF-style: chrX-111744768-A-ACCACCT. GRCh37 (hg19) VCF-style: chrX-110987996-A-ACCACCT.
Other names: p.Pro944_Pro945dup; c.2564_2565insACCTCC, p.Pro866_Pro867dup (NM_001257231.2); c.2383+7891_2383+7892insACCTCC (NM_001257237.2, NM_001257234.2, NM_001257230.2); c.2209+7891_2209+7892insACCTCC (NM_001324293.1); c.2695+7891_2695+7892insACCTCC (NM_001324292.2).
Identifiers: ClinVar variation 833781 (VCV000833781.30), dbSNP rs1569522034, ClinGen allele CA644064905.